The following is an entry in ClinVar:

NM_004446.3(EPRS1):c.1189A>G (p.Thr397Ala)

Gene: EPRS1 (glutamyl-prolyl-tRNA synthetase 1; minus strand). Cytogenetic location: 1q41.
Variant type: single nucleotide variant.
Coding change: c.1189A>G on transcript NM_004446.3 (MANE Select); coding-DNA position 1189, A replaced by G.
Protein change: p.Thr397Ala; replaces threonine 397 with alanine.
Molecular consequence: missense variant.
Genome position (GRCh38, 1-based): chr1:220,020,148, T>C on the plus strand (A>G on the coding strand, the complement: EPRS1 is on the minus strand). VCF-style: chr1-220020148-T-C. GRCh37 (hg19) VCF-style: chr1-220193490-T-C.
Other names: c.1189A>G (NM_004446.2); short protein forms T397A.
Identifiers: ClinVar variation 1943044 (VCV001943044.6), dbSNP rs767293057, ClinGen allele CA1400349.

ClinVar aggregate classification (germline): Uncertain significance. Review status: criteria provided, multiple submitters, no conflicts (2 of 4 stars). 2 submissions from 2 submitters: Uncertain significance (2). Last evaluated 2024-10-04.

Conditions:
Inborn genetic diseases. Identifiers: MedGen C0950123, MeSH D030342.

Allele frequency attached by ClinVar (database versions not stated): gnomAD exomes below 0.00001; ExAC 0.00001; gnomAD 0.00001; TOPMed 0.00003.
gnomAD v4.1: 2 of 1,614,016 alleles (0.00012%); highest among the groups gnomAD compares: African/African-American, 0.0027%; no homozygotes.

Submissions (2):

Ambry Genetics
Classification: Uncertain significance for Inborn genetic diseases. Last evaluated: 2024-10-04. Review status: criteria provided, single submitter. Criteria: Ambry Variant Classification Scheme 2023. Collection method: clinical testing. Allele origin: germline.

Labcorp Genetics (formerly Invitae), Labcorp
Classification: Uncertain significance. Last evaluated: 2022-11-08. Review status: criteria provided, single submitter. Criteria: Invitae Variant Classification Sherloc (09022015). Collection method: clinical testing. Allele origin: germline.
Comment: In summary, the available evidence is currently insufficient to determine the role of this variant in disease. Therefore, it has been classified as a Variant of Uncertain Significance. Algorithms developed to predict the effect of missense changes on protein structure and function are either unavailable or do not agree on the potential impact of this missense change (SIFT: "Deleterious"; PolyPhen-2: "Probably Damaging"; Align-GVGD: "Class C0"). This variant has not been reported in the literature in individuals affected with EPRS-related conditions. This variant is present in population databases (rs767293057, gnomAD 0.007%). This sequence change replaces threonine, which is neutral and polar, with alanine, which is neutral and non-polar, at codon 397 of the EPRS protein (p.Thr397Ala).